The following is an entry in ClinVar:

ClinVar aggregate classification (germline): Benign/Likely benign. Review status: criteria provided, multiple submitters, no conflicts (2 of 4 stars). 10 submissions from 7 submitters: Benign (3); Likely benign (7). Last evaluated 2025-11-24.

Conditions:
Congenital myopathy 18. Also called: Myopathy, congenital, due to dihydropyridine receptor defect; DIHYDROPYRIDINE RECEPTOR CONGENITAL MYOPATHY; DHPR CONGENITAL MYOPATHY. Identifiers: MedGen C5830283, MONDO:0859514, OMIM 620246.
Hypokalemic periodic paralysis, type 1. Also called: Hypokalemic Periodic Paralysis Type 1 (AD); HypoPP. Identifiers: Orphanet 681, MedGen C3714580, MONDO:0042979, OMIM 170400.
Malignant hyperthermia, susceptibility to, 5 (MHS5). Also called: CACNA1S-Related Malignant Hyperthermia Susceptibility. Identifiers: Orphanet 423, MedGen C1866077, MONDO:0011163, OMIM 601887.
Thyrotoxic periodic paralysis, susceptibility to, 1 (TTPP1). Identifiers: Orphanet 79102, MedGen C2749982, MONDO:0008570, OMIM 188580.

Allele frequency attached by ClinVar (database versions not stated): gnomAD exomes 0.00008 and 0.00016; 1000 Genomes Project 30x 0.00016; 1000 Genomes Project 0.00020; ExAC 0.00021; gnomAD 0.00056 and 0.00061; TOPMed 0.00060; ESP Exome Variant Server 0.00115.
gnomAD v4.1: 210 of 1,614,138 alleles (0.013%); highest among the groups gnomAD compares: African/African-American, 0.22%; no homozygotes.

Submissions (10):

Labcorp Genetics (formerly Invitae), Labcorp
Classification: Likely benign for Hypokalemic periodic paralysis, type 1; Malignant hyperthermia, susceptibility to, 5. Last evaluated: 2025-11-24. Review status: criteria provided, single submitter. Criteria: Invitae Variant Classification Sherloc (09022015). Collection method: clinical testing. Allele origin: germline.

Blueprint Genetics
Classification: Likely benign. Last evaluated: 2024-06-27. Review status: criteria provided, single submitter. Criteria: ACMG Guidelines, 2015. Collection method: clinical testing. Allele origin: germline.

All of Us Research Program, National Institutes of Health
Classification: Benign for Malignant hyperthermia, susceptibility to, 5. Last evaluated: 2024-02-05. Review status: criteria provided, single submitter. Criteria: ACMG Guidelines, 2015. Collection method: clinical testing. Allele origin: germline. Inheritance: Autosomal dominant inheritance. Observed: 47 variant alleles, 47 heterozygotes.
Comment: This study involves interpretation of variants in research participants for the purpose of population health screening. Participant phenotype was not available at the time of variant classification. Additional details can be found in publication PMID: 35346344, PMCID: PMC8962531

Genome-Nilou Lab
Classification: Likely benign for Malignant hyperthermia, susceptibility to, 5. Last evaluated: 2023-04-11. Review status: criteria provided, single submitter. Criteria: ACMG Guidelines, 2015. Collection method: clinical testing. Allele origin: germline. Affected: no.

Genome-Nilou Lab
Classification: Likely benign for Thyrotoxic periodic paralysis, susceptibility to, 1. Last evaluated: 2023-04-11. Review status: criteria provided, single submitter. Criteria: ACMG Guidelines, 2015. Collection method: clinical testing. Allele origin: germline. Affected: no.

Genome-Nilou Lab
Classification: Likely benign for Congenital myopathy 18. Last evaluated: 2023-04-11. Review status: criteria provided, single submitter. Criteria: ACMG Guidelines, 2015. Collection method: clinical testing. Allele origin: germline. Affected: no.

Genome-Nilou Lab
Classification: Likely benign for Hypokalemic periodic paralysis, type 1. Last evaluated: 2023-04-11. Review status: criteria provided, single submitter. Criteria: ACMG Guidelines, 2015. Collection method: clinical testing. Allele origin: germline. Affected: no.

Color Diagnostics, LLC DBA Color Health
Classification: Benign for Malignant hyperthermia, susceptibility to, 5. Last evaluated: 2022-08-17. Review status: criteria provided, single submitter. Criteria: ACMG Guidelines, 2015. Collection method: clinical testing. Allele origin: germline.

Illumina Laboratory Services, Illumina
Classification: Benign for Hypokalemic periodic paralysis, type 1. Last evaluated: 2018-01-12. Review status: criteria provided, single submitter. Criteria: ICSL Variant Classification Criteria 13 December 2019. Collection method: clinical testing. Allele origin: germline.
Comment: This variant was observed in the ICSL laboratory as part of a predisposition screen in an ostensibly healthy population. It had not been previously curated by ICSL or reported in the Human Gene Mutation Database (HGMD: prior to June 1st, 2018), and was therefore a candidate for classification through an automated scoring system. Utilizing variant allele frequency, disease prevalence and penetrance estimates, and inheritance mode, an automated score was calculated to assess if this variant is too frequent to cause the disease. Based on the score and internal cut-off values, a variant classified as benign is not then subjected to further curation. The score for this variant resulted in a classification of benign for this disease.

PreventionGenetics, part of Exact Sciences
Classification: Likely benign. Review status: criteria provided, single submitter. Criteria: ACMG Guidelines, 2015. Collection method: clinical testing. Allele origin: germline.

NM_000069.3(CACNA1S):c.3796-11C>T

Gene: CACNA1S (calcium voltage-gated channel subunit alpha1 S; minus strand). Cytogenetic location: 1q32.1.
Variant type: single nucleotide variant.
Coding change: c.3796-11C>T on transcript NM_000069.3 (MANE Select); 11 bases into the intron before coding-DNA position 3796, C replaced by T.
Molecular consequence: intron variant.
Genome position (GRCh38, 1-based): chr1:201,053,285, G>A on the plus strand (C>T on the coding strand, the complement: CACNA1S is on the minus strand). VCF-style: chr1-201053285-G-A. GRCh37 (hg19) VCF-style: chr1-201022413-G-A.
Identifiers: ClinVar variation 254828 (VCV000254828.17), dbSNP rs369565379, ClinGen allele CA082847.